The following is an entry in ClinVar:

ClinVar aggregate classification (germline): Uncertain significance. Review status: criteria provided, single submitter (1 of 4 stars). 2 submissions from 2 submitters: Uncertain significance (1). 1 of the submissions does not count toward it. Last evaluated 2021-08-12.

Conditions:
Usher syndrome type 2C. Also called: Usher syndrome, type 2B; USHER SYNDROME, TYPE IIC. Identifiers: Orphanet 231178, Orphanet 886, MedGen C2931213, MONDO:0011558, OMIM 605472.

Allele frequency attached by ClinVar (database versions not stated): gnomAD exomes below 0.00001 and 0.00001; ExAC 0.00001; TOPMed 0.00001; gnomAD 0.00002.
gnomAD v4.1: 19 of 1,609,534 alleles (0.0012%); highest among the groups gnomAD compares: African/African-American, 0.004%; no homozygotes.

Submissions (2):

Labcorp Genetics (formerly Invitae), Labcorp
Classification: Uncertain significance. Last evaluated: 2021-08-12. Review status: criteria provided, single submitter. Criteria: Invitae Variant Classification Sherloc (09022015). Collection method: clinical testing. Allele origin: germline.
Comment: This sequence change replaces tyrosine with cysteine at codon 3576 of the ADGRV1 protein (p.Tyr3576Cys). The tyrosine residue is moderately conserved and there is a large physicochemical difference between tyrosine and cysteine. This variant is present in population databases (rs778286042, ExAC 0.002%). This variant has not been reported in the literature in individuals affected with ADGRV1-related conditions. ClinVar contains an entry for this variant (Variation ID: 635472). Algorithms developed to predict the effect of missense changes on protein structure and function output the following: SIFT: "Deleterious"; PolyPhen-2: "Probably Damaging"; Align-GVGD: "Class C0". The cysteine amino acid residue is found in multiple mammalian species, which suggests that this missense change does not adversely affect protein function. Algorithms developed to predict the effect of sequence changes on RNA splicing suggest that this variant may create or strengthen a splice site. In summary, the available evidence is currently insufficient to determine the role of this variant in disease. Therefore, it has been classified as a Variant of Uncertain Significance.

Bioscientia Institut fuer Medizinische Diagnostik GmbH, Sonic Healthcare
Classification: Uncertain significance for Usher syndrome type 2C. Last evaluated: 2019-01-17. Review status: no assertion criteria provided. Collection method: clinical testing. Allele origin: germline. Affected: yes. Not counted in ClinVar's aggregate classification.

NM_032119.4(ADGRV1):c.10727A>G (p.Tyr3576Cys)

Gene: ADGRV1 (adhesion G protein-coupled receptor V1; plus strand). Cytogenetic location: 5q14.3.
Variant type: single nucleotide variant.
Coding change: c.10727A>G on transcript NM_032119.4 (MANE Select); coding-DNA position 10727, A replaced by G.
Protein change: p.Tyr3576Cys; replaces tyrosine 3576 with cysteine.
Molecular consequence: missense variant. On other transcripts: non-coding transcript variant (1).
Genome position (GRCh38, 1-based): chr5:90,745,223, A>G. VCF-style: chr5-90745223-A-G. GRCh37 (hg19) VCF-style: chr5-90041040-A-G.
Other names: short protein forms Y3576C.
Identifiers: ClinVar variation 635472 (VCV000635472.4), dbSNP rs778286042, ClinGen allele CA3340809.